The following is an entry in ClinVar:

NM_001346754.2(PIGW):c.1349T>C (p.Ile450Thr)

Genes: MYO19 (myosin XIX; minus strand), PIGW (phosphatidylinositol glycan anchor biosynthesis class W; plus strand). Cytogenetic location: 17q12.
Variant type: single nucleotide variant.
Coding change: c.1349T>C on transcript NM_001346754.2 (MANE Select); coding-DNA position 1349, T replaced by C.
Protein change: p.Ile450Thr; replaces isoleucine 450 with threonine.
Molecular consequence: missense variant.
Genome position (GRCh38, 1-based): chr17:36,538,450, T>C. VCF-style: chr17-36538450-T-C. GRCh37 (hg19) VCF-style: chr17-34894299-T-C.
Other names: c.1349T>C, p.Ile450Thr (NM_001346755.2, NM_178517.5); short protein forms I450T.
Identifiers: ClinVar variation 1949807 (VCV001949807.5), dbSNP rs770443806, ClinGen allele CA290116773.

ClinVar aggregate classification (germline): Uncertain significance (1 of 4 stars; one submission).

Conditions:
Hyperphosphatasia with intellectual disability syndrome 5 (GPIBD11). Also called: GLYCOSYLPHOSPHATIDYLINOSITOL BIOSYNTHESIS DEFECT 11. Identifiers: Orphanet 247262, MedGen C4014958, MONDO:0014457, OMIM 616025.

Allele frequency attached by ClinVar (database versions not stated): gnomAD exomes 0.00001; TOPMed 0.00001; ExAC 0.00002.
gnomAD v4.1: 10 of 1,614,190 alleles (0.00062%); highest among the groups gnomAD compares: Non-Finnish European, 0.00085%; no homozygotes.

Submission:

Labcorp Genetics (formerly Invitae), Labcorp
Classification: Uncertain significance for Hyperphosphatasia with intellectual disability syndrome 5. Last evaluated: 2021-12-27. Review status: criteria provided, single submitter. Criteria: Invitae Variant Classification Sherloc (09022015). Collection method: clinical testing. Allele origin: germline.
Comment: In summary, the available evidence is currently insufficient to determine the role of this variant in disease. Therefore, it has been classified as a Variant of Uncertain Significance. Algorithms developed to predict the effect of missense changes on protein structure and function output the following: SIFT: "Tolerated"; PolyPhen-2: "Benign"; Align-GVGD: "Class C0". The threonine amino acid residue is found in multiple mammalian species, which suggests that this missense change does not adversely affect protein function. This variant has not been reported in the literature in individuals affected with PIGW-related conditions. This variant is present in population databases (rs770443806, gnomAD 0.003%). This sequence change replaces isoleucine, which is neutral and non-polar, with threonine, which is neutral and polar, at codon 450 of the PIGW protein (p.Ile450Thr).